The following is an entry in ClinVar:

ClinVar aggregate classification (germline): Uncertain significance. Review status: criteria provided, single submitter (1 of 4 stars). 2 submissions from 2 submitters: Uncertain significance (1). 1 of the submissions does not count toward it. Last evaluated 2025-05-01.

Conditions:
Leukodystrophy, hypomyelinating, 8, with or without oligodontia and/or hypogonadotropic hypogonadism. Also called: Endosteal sclerosis-cerebellar hypoplasia syndrome; LEUKODYSTROPHY, HYPOMYELINATING, 8, WITH HYPODONTIA AND HYPOGONADOTROPIC HYPOGONADISM; Hypomyelinating leukodystrophy 8 with or without oligodontia and-or hypogonadotropic hypogonadism. Identifiers: Orphanet 85186, Orphanet 88637, MedGen C3280644, MONDO:0013722, OMIM 614381.
Amenorrhea. Identifiers: MedGen C0002453, MONDO:0001836, HP:0000141.

Allele frequency attached by ClinVar (database versions not stated): gnomAD exomes 0.00002; ExAC 0.00002; gnomAD 0.00005 and 0.00006; TOPMed 0.00003.
gnomAD v4.1: 50 of 1,613,894 alleles (0.0031%); highest among the groups gnomAD compares: Non-Finnish European, 0.0037%; no homozygotes.

Submissions (2):

Broad Center for Mendelian Genomics, Broad Institute of MIT and Harvard
Classification: Uncertain significance for Leukodystrophy, hypomyelinating, 8, with or without oligodontia and/or hypogonadotropic hypogonadism. Last evaluated: 2025-05-01. Review status: criteria provided, single submitter. Criteria: ACMG Guidelines, 2015. Collection method: curation. Allele origin: germline. Inheritance: Autosomal recessive inheritance.
Comment: The p.Arg978Cys variant in POLR3B has not been previously reported in the literature in individuals with 4H leukodystrophy, but has been identified in 0.007% (2/29606) of Ashkenazi Jewish chromosomes by the Genome Aggregation Database (gnomAD; dbSNP ID: rs747972980). Although this variant has been seen in the general population in a heterozygous state, its frequency is low enough to be consistent with a recessive carrier frequency. This variant has also been reported in ClinVar (VCV001344756.1) and has been interpreted as a variant of uncertain significance by Yale Center for Mendelian Genomics. Computational prediction tools and conservation analyses suggest that this variant may impact the protein, though this information is not predictive enough to determine pathogenicity. The number of missense variants reported in POLR3B in the general population is lower than expected, suggesting there is little benign variation in this gene and slightly increasing the possibility that a missense variant in this gene may not be tolerated. In summary, the clinical significance of the p.Arg978Cys variant is uncertain. ACMG/AMP Criteria applied: PP2, PP3, PM2_supporting (Richards 2015).

Yale Center for Mendelian Genomics, Yale University
Classification: Uncertain significance for Amenorrhea. Last evaluated: 2021-03-08. Review status: no assertion criteria provided. Collection method: literature only. Allele origin: unknown. Affected: yes. Observed: 1 heterozygote. Study: Yale Center for Mendelian Genomics. Not counted in ClinVar's aggregate classification.

Literature cited by the submitters: PubMed 32870266 (cited by Yale Center for Mendelian Genomics, Yale University).

NM_018082.6(POLR3B):c.2932C>T (p.Arg978Cys)

Genes: POLR3B (RNA polymerase III subunit B; plus strand), RFX4-AS1 (RFX4 antisense RNA 1; minus strand). Cytogenetic location: 12q23.3.
Variant type: single nucleotide variant.
Coding change: c.2932C>T on transcript NM_018082.6 (MANE Select); coding-DNA position 2932, C replaced by T.
Protein change: p.Arg978Cys; replaces arginine 978 with cysteine.
Molecular consequence: missense variant.
Genome position (GRCh38, 1-based): chr12:106,496,866, C>T. VCF-style: chr12-106496866-C-T. GRCh37 (hg19) VCF-style: chr12-106890644-C-T.
Other names: NM_018082.6(POLR3B):c.2932C>T; p.Arg978Cys; c.2758C>T, p.Arg920Cys (NM_001160708.2); short protein forms R920C, R978C.
Identifiers: ClinVar variation 1344756 (VCV001344756.3), dbSNP rs747972980, ClinGen allele CA6762340.